The following is an entry in ClinVar:

ClinVar aggregate classification (germline): Pathogenic/Likely pathogenic. Review status: criteria provided, multiple submitters, no conflicts (2 of 4 stars). 7 submissions from 7 submitters: Pathogenic (1); Likely pathogenic (4). 2 of the submissions do not count toward it. Last evaluated 2025-10-10.

Conditions:
NPC1-related disorder. Also called: NPC1-related condition.
Niemann-Pick disease, type C (NPC). Identifiers: Orphanet 646, MedGen C0220756, MONDO:0018982.
Niemann-Pick disease, type C1. Also called: NEUROVISCERAL STORAGE DISEASE WITH VERTICAL SUPRANUCLEAR OPHTHALMOPLEGIA; NIEMANN-PICK DISEASE WITH CHOLESTEROL ESTERIFICATION BLOCK; NIEMANN-PICK DISEASE WITHOUT SPHINGOMYELINASE DEFICIENCY; NIEMANN-PICK DISEASE, CHRONIC NEURONOPATHIC FORM; NIEMANN-PICK DISEASE, VARIANT TYPE C1. Identifiers: Orphanet 646, MedGen C3179455, MONDO:0009757, OMIM 257220.

Allele frequency attached by ClinVar (database versions not stated): TOPMed below 0.00001; gnomAD 0.00001; ExAC 0.00002; gnomAD exomes 0.00002; ESP Exome Variant Server 0.00008.

Submissions (7):

PreventionGenetics, part of Exact Sciences
Classification: Likely pathogenic for NPC1-related condition. Last evaluated: 2025-10-10. Review status: criteria provided, single submitter. Criteria: ACMG Guidelines, 2015. Collection method: clinical testing. Allele origin: germline.
Comment: The NPC1 c.3566A>G variant is predicted to result in the amino acid substitution p.Glu1189Gly. This variant has been reported along with a second NPC1 variant in at least three individuals with Niemann-Pick disease, type C (Imrie et al. 2015. PubMed ID: 26666848; Saito et al. 2004. PubMed ID: 15099022). This variant is reported in 0.0044% of alleles in individuals of European (non-Finnish) descent in gnomAD. This variant is interpreted as likely pathogenic.

Natera, Inc.
Classification: Likely pathogenic for Niemann-Pick disease type C1. Last evaluated: 2025-02-15. Review status: criteria provided, single submitter. Criteria: Natera Variant Classification Schema (03/2026). Collection method: clinical testing. Allele origin: germline.
Comment: The c.3566A>G variant in NPC1 is a missense variant predicted to cause substitution of glutamic acid to glycine at amino acid 1189. This variant is rare in the general population with a frequency below the threshold expected for the associated phenotype(s). This variant has been observed in one or more individuals affected with the associated recessive disease, as either homozygous or compound heterozygous with a second variant (PMID: 11349231, 12205649, 17160617, 23653225, 26666848, 27139891). Computational prediction algorithms indicate this variant is likely to affect gene or protein function. Given the available evidence, this variant is classified as Likely Pathogenic.

Labcorp Genetics (formerly Invitae), Labcorp
Classification: Pathogenic for Niemann-Pick disease, type C1. Last evaluated: 2024-06-03. Review status: criteria provided, single submitter. Criteria: Invitae Variant Classification Sherloc (09022015). Collection method: clinical testing. Allele origin: germline.
Comment: This sequence change replaces glutamic acid, which is acidic and polar, with glycine, which is neutral and non-polar, at codon 1189 of the NPC1 protein (p.Glu1189Gly). This variant is present in population databases (rs369098773, gnomAD 0.004%). This missense change has been observed in individual(s) with Niemann-Pick Type C (PMID: 11349231, 12205649, 26666848). ClinVar contains an entry for this variant (Variation ID: 371037). Advanced modeling of protein sequence and biophysical properties (such as structural, functional, and spatial information, amino acid conservation, physicochemical variation, residue mobility, and thermodynamic stability) performed at Invitae indicates that this missense variant is expected to disrupt NPC1 protein function with a positive predictive value of 95%. For these reasons, this variant has been classified as Pathogenic.

Women's Health and Genetics/Laboratory Corporation of America, LabCorp
Classification: Likely pathogenic for Niemann-Pick disease, type C. Last evaluated: 2024-03-08. Review status: criteria provided, single submitter. Criteria: LabCorp Variant Classification Summary - May 2015. Collection method: clinical testing. Allele origin: germline.
Comment: Variant summary: NPC1 c.3566A>G (p.Glu1189Gly) results in a non-conservative amino acid change in the encoded protein sequence. Five of five in-silico tools predict a damaging effect of the variant on protein function. The variant allele was found at a frequency of 2e-05 in 250986 control chromosomes. c.3566A>G has been reported in the literature in individuals affected with Niemann-Pick Disease Type C (Sun_2001, Saito_2004, Imrie_2015). These data indicate that the variant is likely to be associated with disease. To our knowledge, no experimental evidence demonstrating an impact on protein function has been reported. The following publications have been ascertained in the context of this evaluation (PMID: 19744920, 26666848, 15099022, 11349231). ClinVar contains an entry for this variant (Variation ID: 371037). Based on the evidence outlined above, the variant was classified as likely pathogenic.

Blueprint Genetics
Classification: Likely pathogenic for NPC1-related disorders. Last evaluated: 2019-08-14. Review status: criteria provided, single submitter. Criteria: ACMG Guidelines, 2015. Collection method: clinical testing. Allele origin: germline. Affected: yes. Observed: 1 variant allele.

Counsyl
Classification: Likely pathogenic for Niemann-Pick disease, type C1. Last evaluated: 2016-06-14. Review status: no assertion criteria provided. Collection method: clinical testing. Allele origin: unknown. Not counted in ClinVar's aggregate classification.

Genomics England Pilot Project, Genomics England
Classification: Pathogenic for Niemann-Pick disease, type C1. Review status: no assertion criteria provided. Criteria: ACGS Guidelines, 2016. Collection method: clinical testing. Allele origin: germline. Affected: yes. Not counted in ClinVar's aggregate classification.

Literature cited by the submitters: PubMed 11349231 (cited by 4 submitters); PubMed 12205649 (cited by 3 submitters); PubMed 17160617 (cited by Natera, Inc.); PubMed 23653225 (cited by Natera, Inc.); PubMed 26666848 (cited by 4 submitters); PubMed 27139891 (cited by Natera, Inc. and Counsyl); PubMed 19744920 (cited by Women's Health and Genetics/Laboratory Corporation of America, LabCorp and Counsyl); PubMed 15099022 (cited by Women's Health and Genetics/Laboratory Corporation of America, LabCorp).

NM_000271.5(NPC1):c.3566A>G (p.Glu1189Gly)

Gene: NPC1 (NPC intracellular cholesterol transporter 1; minus strand). Cytogenetic location: 18q11.2.
Variant type: single nucleotide variant.
Coding change: c.3566A>G on transcript NM_000271.5 (MANE Select); coding-DNA position 3566, A replaced by G.
Protein change: p.Glu1189Gly; replaces glutamic acid 1189 with glycine.
Molecular consequence: missense variant.
Genome position (GRCh38, 1-based): chr18:23,534,471, T>C on the plus strand (A>G on the coding strand, the complement: NPC1 is on the minus strand). VCF-style: chr18-23534471-T-C. GRCh37 (hg19) VCF-style: chr18-21114435-T-C.
Other names: short protein forms E1189G.
Identifiers: ClinVar variation 371037 (VCV000371037.15), dbSNP rs369098773, ClinGen allele CA8912726.
Genomic context (GRCh38, chr18:23,534,471, plus strand): 5'-GACTCTGCCGGCGTGGCCCTGCTCAGGGTACTCACGGAGCTGCCCATGTGGGCAAGTGCC[T>C]CTTCCGCGCGCTCCACGCGGCTGCCTTTCATGCTCACCGTGAACGCTCTGGTTATGTGGC-3'
Protein context (NP_000262.2, residues 1179-1199): MKGSRVERAE[Glu1189Gly]ALAHMGSSVF